The following is an entry in ClinVar:

NM_006361.6(HOXB13):c.337A>G (p.Thr113Ala)

Gene: HOXB13 (homeobox B13; minus strand). Cytogenetic location: 17q21.32.
Variant type: single nucleotide variant.
Coding change: c.337A>G on transcript NM_006361.6 (MANE Select); coding-DNA position 337, A replaced by G.
Protein change: p.Thr113Ala; replaces threonine 113 with alanine.
Molecular consequence: missense variant.
Genome position (GRCh38, 1-based): chr17:48,728,257, T>C on the plus strand (A>G on the coding strand, the complement: HOXB13 is on the minus strand). VCF-style: chr17-48728257-T-C. GRCh37 (hg19) VCF-style: chr17-46805619-T-C.
Other names: short protein forms T113A.
Identifiers: ClinVar variation 3667437 (VCV003667437.2).

ClinVar aggregate classification (germline): Uncertain significance (1 of 4 stars; one submission).

Submission:

Labcorp Genetics (formerly Invitae), Labcorp
Classification: Uncertain significance. Last evaluated: 2024-10-30. Review status: criteria provided, single submitter. Criteria: Invitae Variant Classification Sherloc (09022015). Collection method: clinical testing. Allele origin: germline.
Comment: This sequence change replaces threonine, which is neutral and polar, with alanine, which is neutral and non-polar, at codon 113 of the HOXB13 protein (p.Thr113Ala). This variant is not present in population databases (gnomAD no frequency). This variant has not been reported in the literature in individuals affected with HOXB13-related conditions. Invitae Evidence Modeling of protein sequence and biophysical properties (such as structural, functional, and spatial information, amino acid conservation, physicochemical variation, residue mobility, and thermodynamic stability) indicates that this missense variant is not expected to disrupt HOXB13 protein function with a negative predictive value of 80%. In summary, the available evidence is currently insufficient to determine the role of this variant in disease. Therefore, it has been classified as a Variant of Uncertain Significance.